The following is an entry in ClinVar:

ClinVar aggregate classification (germline): Uncertain significance (1 of 4 stars; one submission).

Conditions:
Myofibrillar myopathy 5. Also called: FILAMINOPATHY, AUTOSOMAL DOMINANT; Filaminopathy (type). Identifiers: Orphanet 171445, MedGen C1836050, MONDO:0012289, OMIM 609524.
Distal myopathy with posterior leg and anterior hand involvement. Also called: WILLIAMS DISTAL MYOPATHY. Identifiers: Orphanet 63273, MedGen C3279722, MONDO:0013550, OMIM 614065.
Hypertrophic cardiomyopathy 26. Also called: Cardiomyopathy, familial hypertrophic, 26. Identifiers: Orphanet 75249, MedGen C4310749, MONDO:0014883, OMIM 617047.

Submission:

Labcorp Genetics (formerly Invitae), Labcorp
Classification: Uncertain significance for Distal myopathy with posterior leg and anterior hand involvement; Myofibrillar myopathy 5; Hypertrophic cardiomyopathy 26. Last evaluated: 2022-09-19. Review status: criteria provided, single submitter. Criteria: Invitae Variant Classification Sherloc (09022015). Collection method: clinical testing. Allele origin: germline.
Comment: In summary, the available evidence is currently insufficient to determine the role of this variant in disease. Therefore, it has been classified as a Variant of Uncertain Significance. Advanced modeling of protein sequence and biophysical properties (such as structural, functional, and spatial information, amino acid conservation, physicochemical variation, residue mobility, and thermodynamic stability) has been performed at Invitae for this missense variant, however the output from this modeling did not meet the statistical confidence thresholds required to predict the impact of this variant on FLNC protein function. This variant has not been reported in the literature in individuals affected with FLNC-related conditions. This variant is not present in population databases (gnomAD no frequency). This sequence change replaces threonine, which is neutral and polar, with serine, which is neutral and polar, at codon 933 of the FLNC protein (p.Thr933Ser).

NM_001458.5(FLNC):c.2798C>G (p.Thr933Ser)

Gene: FLNC (filamin C; plus strand). Cytogenetic location: 7q32.1.
Variant type: single nucleotide variant.
Coding change: c.2798C>G on transcript NM_001458.5 (MANE Select); coding-DNA position 2798, C replaced by G.
Protein change: p.Thr933Ser; replaces threonine 933 with serine.
Molecular consequence: missense variant.
Genome position (GRCh38, 1-based): chr7:128,843,564, C>G. VCF-style: chr7-128843564-C-G. GRCh37 (hg19) VCF-style: chr7-128483618-C-G.
Other names: c.2798C>G, p.Thr933Ser (NM_001127487.2); short protein forms T933S.
Identifiers: ClinVar variation 1914760 (VCV001914760.5), dbSNP rs1233597898, ClinGen allele CA369193303.